The following is an entry in ClinVar:

ClinVar aggregate classification (germline): Uncertain significance (1 of 4 stars; one submission).

gnomAD v4.1: 93 of 1,614,034 alleles (0.0058%); highest among the groups gnomAD compares: Non-Finnish European, 0.0057%; 1 homozygote.

Submission:

Labcorp Genetics (formerly Invitae), Labcorp
Classification: Uncertain significance. Last evaluated: 2025-01-30. Review status: criteria provided, single submitter. Criteria: Invitae Variant Classification Sherloc (09022015). Collection method: clinical testing. Allele origin: germline.
Comment: This sequence change replaces threonine, which is neutral and polar, with methionine, which is neutral and non-polar, at codon 3634 of the TRRAP protein (p.Thr3634Met). This variant is present in population databases (rs762761139, gnomAD 0.02%). This missense change has been observed in individual(s) with TRRAP-related conditions (PMID: 28191889). Invitae Evidence Modeling of protein sequence and biophysical properties (such as structural, functional, and spatial information, amino acid conservation, physicochemical variation, residue mobility, and thermodynamic stability) indicates that this missense variant is expected to disrupt TRRAP protein function with a positive predictive value of 80%. In summary, the available evidence is currently insufficient to determine the role of this variant in disease. Therefore, it has been classified as a Variant of Uncertain Significance.

Literature cited by the submitters: PubMed 28191889.

NM_001375524.1(TRRAP):c.11030C>T (p.Thr3677Met)

Gene: TRRAP (transformation/transcription domain associated protein; plus strand). Cytogenetic location: 7q22.1.
Variant type: single nucleotide variant.
Coding change: c.11030C>T on transcript NM_001375524.1 (MANE Select); coding-DNA position 11030, C replaced by T.
Protein change: p.Thr3677Met; replaces threonine 3677 with methionine.
Molecular consequence: missense variant.
Genome position (GRCh38, 1-based): chr7:99,011,143, C>T. VCF-style: chr7-99011143-C-T. GRCh37 (hg19) VCF-style: chr7-98608766-C-T.
Other names: c.10988C>T, p.Thr3663Met (NM_001244580.2); c.10901C>T, p.Thr3634Met (NM_003496.4); short protein forms T3677M, T3634M, T3663M.
Identifiers: ClinVar variation 3696796 (VCV003696796.2).